The following is an entry in ClinVar:

ClinVar aggregate classification (germline): Likely pathogenic (1 of 4 stars; one submission).

Conditions:
Polycystic lipomembranous osteodysplasia with sclerosing leukoencephalopathy 1 (PLOSL1). Also called: TYROBP-Related Polycystic Lipomembranous Osteodysplasia with Sclerosing Leukoencephalopathy. Identifiers: Orphanet 2770, MedGen C4721893, MONDO:0020749, OMIM 221770.

Submission:

First Genomix Gene Laboratory, Genetic Diagnostics Department
Classification: Likely pathogenic for Polycystic lipomembranous osteodysplasia with sclerosing leukoencephalopathy 1. Last evaluated: 2025-07-11. Review status: criteria provided, single submitter. Criteria: ACMG Guidelines, 2015. Collection method: clinical testing. Allele origin: germline. Inheritance: Autosomal recessive inheritance. Affected: no. Observed: 1 variant allele.

NM_003332.4(TYROBP):c.178del (p.Ala60fs)

Gene: TYROBP (transmembrane immune signaling adaptor TYROBP; minus strand). Cytogenetic location: 19q13.12.
Variant type: Deletion.
Coding change: c.178del on transcript NM_003332.4 (MANE Select); coding-DNA position 178, one base deleted (G; older notation c.178delG).
Protein change: p.Ala60fs; shifts the reading frame from alanine 60.
Molecular consequence: frameshift variant. On other transcripts: non-coding transcript variant (1).
Genome position (GRCh38, 1-based): chr19:35,907,497, C deleted on the plus strand (G on the coding strand, the reverse complement: TYROBP is on the minus strand); the first of 2 consecutive C bases (chr19:35,907,497-35,907,498); deleting either gives the same sequence. VCF-style (leftmost placement, unchanged base first): chr19-35907496-GC-G. GRCh37 (hg19) VCF-style: chr19-36398398-GC-G.
Other names: c.145del, p.Ala49fs (NM_001173514.2, NM_001173515.2); c.178del, p.Ala60fs (NM_198125.3); c.178delG (NM_003332.4); short protein forms A49fs, A60fs.
Identifiers: ClinVar variation 4849333 (VCV004849333.1).